The following is an entry in ClinVar:

NM_005670.4(EPM2A):c.830T>G (p.Val277Gly)

Gene: EPM2A (EPM2A glucan phosphatase, laforin; minus strand). Cytogenetic location: 6q24.3.
Variant type: single nucleotide variant.
Coding change: c.830T>G on transcript NM_005670.4 (MANE Select); coding-DNA position 830, T replaced by G.
Protein change: p.Val277Gly; replaces valine 277 with glycine.
Molecular consequence: missense variant. On other transcripts: non-coding transcript variant (1).
Genome position (GRCh38, 1-based): chr6:145,627,582, A>C on the plus strand (T>G on the coding strand, the complement: EPM2A is on the minus strand). VCF-style: chr6-145627582-A-C. GRCh37 (hg19) VCF-style: chr6-145948718-A-C.
Other names: c.830T>G, p.Val277Gly (NM_001018041.2); c.588T>G, p.Cys196Trp (NM_001360057.2); c.416T>G, p.Val139Gly (NM_001360064.2, NM_001360071.2, NM_001368131.1); c.368T>G, p.Val123Gly (NM_001368129.2, NM_001368132.1); short protein forms C196W, V123G, V139G, V277G.
Identifiers: ClinVar variation 4852110 (VCV004852110.1).

ClinVar aggregate classification (germline): Likely pathogenic (1 of 4 stars; one submission).

Conditions:
Myoclonic epilepsy of Lafora 1 (MELF1). Also called: EPM2A-Related Lafora Disease; EPILEPSY, PROGRESSIVE MYOCLONIC, 2A; LAFORA DISEASE 1; Epilepsy, progressive myoclonic 2A (Lafora). Identifiers: MedGen CN377204, MONDO:0958199, OMIM 254780.

Submission:

Centre for Medical Genetics,  Mumbai
Classification: Likely pathogenic for Myoclonic epilepsy of Lafora 1. Last evaluated: 2026-04-21. Review status: criteria provided, single submitter. Criteria: ACMG Guidelines, 2015. Collection method: provider interpretation. Allele origin: germline. Inheritance: Autosomal recessive inheritance. Affected: yes. Observed: 1 variant allele, 1 compound heterozygote.
Comment: The variant satisfies PM2 criteria - extremely low frequency in gnomAD population databases. The variant satisfies PM1 criteria - non-truncating non-synonymous variant is located in a mutational hot spot and/or critical and well-established functional domain. The variant satisfies PP2 criteria - missense variant in a gene with low rate of benign missense mutations and for which missense mutation is a common mechanism of a disease. The variant satisfies PP3 criteria - for a missense or a splicing region variant, computational prediction tools unanimously support a deleterious effect on the gene. Hence, this variant should be considered as likely pathogenic for Myoclonic epilepsy of Lafora 1.

Literature cited by the submitters: PubMed 9771710.